The following is an entry in ClinVar:

NM_020832.3(ZNF687):c.208T>G (p.Ser70Ala)

Gene: ZNF687 (zinc finger protein 687; plus strand). Cytogenetic location: 1q21.3.
Variant type: single nucleotide variant.
Coding change: c.208T>G on transcript NM_020832.3 (MANE Select); coding-DNA position 208, T replaced by G.
Protein change: p.Ser70Ala; replaces serine 70 with alanine.
Molecular consequence: missense variant.
Genome position (GRCh38, 1-based): chr1:151,286,499, T>G. VCF-style: chr1-151286499-T-G. GRCh37 (hg19) VCF-style: chr1-151258975-T-G.
Other names: c.208T>G, p.Ser70Ala (NM_001304763.2, NM_001304764.2); short protein forms S70A.
Identifiers: ClinVar variation 2224203 (VCV002224203.6), dbSNP rs374000640, ClinGen allele CA1088119.
Genomic context (GRCh38, chr1:151,286,499, plus strand): 5'-GAATCTGAAGACACAGCAGCAGCCTCTGCTGGGGATGGCCCTGGAGTTCCAGCCCAGGCC[T>G]CTGACCATGGCCTGCCACCGCCAGACATTTCTGTAGTCAGTGTCATTGTCAAGAACACTG-3'
Protein context (NP_065883.1, residues 60-80): GDGPGVPAQA[Ser70Ala]DHGLPPPDIS

ClinVar aggregate classification (germline): Uncertain significance. Review status: criteria provided, multiple submitters, no conflicts (2 of 4 stars). 2 submissions from 2 submitters: Uncertain significance (2). Last evaluated 2025-08-15.

Allele frequency attached by ClinVar (database versions not stated): ESP Exome Variant Server 0.00008; gnomAD 0.00003; gnomAD exomes 0.00004; ExAC 0.00003.
gnomAD v4.1: 61 of 1,614,040 alleles (0.0038%); highest among the groups gnomAD compares: Non-Finnish European, 0.0045%; no homozygotes.

Submissions (2):

Labcorp Genetics (formerly Invitae), Labcorp
Classification: Uncertain significance. Last evaluated: 2025-08-15. Review status: criteria provided, single submitter. Criteria: Invitae Variant Classification Sherloc (09022015). Collection method: clinical testing. Allele origin: germline.
Comment: This sequence change replaces serine, which is neutral and polar, with alanine, which is neutral and non-polar, at codon 70 of the ZNF687 protein (p.Ser70Ala). This variant is present in population databases (rs374000640, gnomAD 0.007%). This variant has not been reported in the literature in individuals affected with ZNF687-related conditions. ClinVar contains an entry for this variant (Variation ID: 2224203). An algorithm developed to predict the effect of missense changes on protein structure and function (PolyPhen-2) suggests that this variant is likely to be tolerated. In summary, the available evidence is currently insufficient to determine the role of this variant in disease. Therefore, it has been classified as a Variant of Uncertain Significance.

Ambry Genetics
Classification: Uncertain significance. Last evaluated: 2025-04-12. Review status: criteria provided, single submitter. Criteria: Ambry Variant Classification Scheme 2023. Collection method: clinical testing. Allele origin: germline.